The following is an entry in ClinVar:

NM_001267550.2(TTN):c.104676_104679del (p.Ser34892fs)

Genes: TTN (titin; minus strand), TTN-AS1 (TTN antisense RNA 1; plus strand). Cytogenetic location: 2q31.2.
Variant type: Deletion.
Coding change: c.104676_104679del on transcript NM_001267550.2 (MANE Select); coding-DNA positions 104676 to 104679, 4 bases deleted (TGAG; older notation c.104676_104679delTGAG).
Protein change: p.Ser34892fs; shifts the reading frame from serine 34892.
Molecular consequence: frameshift variant.
Genome position (GRCh38, 1-based): chr2:178,531,936-178,531,939, CTCA deleted on the plus strand (TGAG on the coding strand, the reverse complement: TTN is on the minus strand); deleting any 4 consecutive bases within chr2:178,531,936-178,531,941 gives the same sequence; the c. name uses the placement nearest the transcript's 3' end. VCF-style (leftmost placement, unchanged base first): chr2-178531935-TCTCA-T. GRCh37 (hg19) VCF-style: chr2-179396662-TCTCA-T.
Other names: c.99753_99756del, p.Ser33251fs (NM_001256850.1); c.77481_77484del, p.Ser25827fs (NM_003319.4); c.96972_96975del, p.Ser32324fs (NM_133378.4); c.77856_77859del, p.Ser25952fs (NM_133432.3); c.78057_78060del, p.Ser26019fs (NM_133437.4); short protein forms S25827fs, S25952fs, S32324fs, S33251fs, S34892fs, S26019fs.
Identifiers: ClinVar variation 4794435 (VCV004794435.1).

ClinVar aggregate classification (germline): Likely pathogenic (1 of 4 stars; one submission).

Conditions:
Autosomal recessive limb-girdle muscular dystrophy type 2J (LGMDR10). Also called: MUSCULAR DYSTROPHY, LIMB-GIRDLE, AUTOSOMAL RECESSIVE 10; Limb-girdle muscular dystrophy, type 2J. Identifiers: Orphanet 140922, MedGen C1837342, MONDO:0012127, OMIM 608807.
Dilated cardiomyopathy 1G (CMD1G). Identifiers: Orphanet 154, MedGen C1858763, MONDO:0011400, OMIM 604145.

Submission:

Labcorp Genetics (formerly Invitae), Labcorp
Classification: Likely pathogenic for Dilated cardiomyopathy 1G; Autosomal recessive limb-girdle muscular dystrophy type 2J. Last evaluated: 2025-10-18. Review status: criteria provided, single submitter. Criteria: Invitae Variant Classification Sherloc (09022015). Collection method: clinical testing. Allele origin: germline.
Comment: This sequence change creates a premature translational stop signal (p.Ser34892Argfs*22) in the TTN gene. While this is not anticipated to result in nonsense mediated decay, it is expected to create a truncated TTN protein. This variant is not present in population databases (gnomAD no frequency). This variant has not been reported in the literature in individuals affected with TTN-related conditions. This variant is located in the M band of TTN (PMID: 25589632). Truncating variants in this region have been previously reported in individuals affected with autosomal dominant or autosomal recessive myopathy and muscular dystrophy (PMID: 18948003, 23975875, 24395473). Truncating variants in this region have also been identified in individuals affected with autosomal dominant dilated cardiomyopathy and/or cardio-related conditions (PMID: 27869827, 32964742, internal data). In summary, the currently available evidence indicates that the variant is pathogenic, but additional data are needed to prove that conclusively. Therefore, this variant has been classified as Likely Pathogenic.

Literature cited by the submitters: PubMed 25589632; PubMed 18948003; PubMed 23975875; PubMed 24395473; PubMed 27869827; PubMed 32964742.